The following is an entry in ClinVar:

ClinVar aggregate classification (germline): Benign/Likely benign. Review status: criteria provided, multiple submitters, no conflicts (2 of 4 stars). 2 submissions from 2 submitters: Benign (1); Likely benign (1). Last evaluated 2024-10-12.

Conditions:
Hereditary cancer-predisposing syndrome. Also called: Neoplastic Syndromes, Hereditary; Tumor predisposition; Hereditary Cancer Syndrome; Hereditary neoplastic syndrome. Identifiers: Orphanet 140162, MedGen C0027672, MeSH D009386, MONDO:0015356.
Familial cancer of breast. Also called: hereditary breast carcinoma; Hereditary breast cancer; BREAST CANCER, FAMILIAL. Identifiers: Orphanet 227535, MedGen C0346153, MONDO:0016419, OMIM 114480. Disease mechanism: loss of function.

Submissions (2):

Ambry Genetics
Classification: Likely benign for Hereditary cancer-predisposing syndrome. Last evaluated: 2024-10-12. Review status: criteria provided, single submitter. Criteria: Ambry Variant Classification Scheme 2023. Collection method: clinical testing. Allele origin: germline.

Myriad Genetics, Inc.
Classification: Benign for Familial cancer of breast. Last evaluated: 2024-07-24. Review status: criteria provided, single submitter. Criteria: Myriad Autosomal Dominant, Autosomal Recessive and X-Linked Classification Criteria (2023). Collection method: clinical testing. Allele origin: unknown.
Comment: This variant is considered benign. This variant is a silent/synonymous amino acid change and it is not expected to impact splicing.

NM_000465.4(BARD1):c.1212C>T (p.Tyr404=)

Gene: BARD1 (BRCA1 associated RING domain 1; minus strand). Cytogenetic location: 2q35.
Variant type: single nucleotide variant.
Coding change: c.1212C>T on transcript NM_000465.4 (MANE Select); coding-DNA position 1212, C replaced by T.
Protein change: p.Tyr404=; no amino-acid change (tyrosine 404 retained).
Molecular consequence: synonymous variant. On other transcripts: non-coding transcript variant (2), intron variant (3).
Genome position (GRCh38, 1-based): chr2:214,780,662, G>A on the plus strand (C>T on the coding strand, the complement: BARD1 is on the minus strand). VCF-style: chr2-214780662-G-A. GRCh37 (hg19) VCF-style: chr2-215645386-G-A.
Other names: c.1212C>T (NM_000465.2); c.1155C>T, p.Tyr385= (NM_001282543.2); c.159-28107C>T (NM_001282548.2); c.215+16399C>T (NM_001282545.2); c.364+11635C>T (NM_001282549.2).
Identifiers: ClinVar variation 3378843 (VCV003378843.2).
Genomic context (GRCh38, chr2:214,780,662, plus strand): 5'-TCTTTTCACAGCCATATTGGGCAACAGCTTCATTGCTGAGGGACTAGACATCACTCGCCT[G>A]TAACTTGAACTACTTAATGTAGAAGGTGGTGTACCTGGTGAAAGACTAATGAATTCATCG-3'
Protein context (NP_000456.2, residues 394-414): TPPSTLSSSS[Tyr404=]RRVMSSPSAM